The following is an entry in ClinVar:

NM_005477.3(HCN4):c.1489C>G (p.Leu497Val)

Gene: HCN4 (hyperpolarization activated cyclic nucleotide gated potassium channel 4; minus strand). Cytogenetic location: 15q24.1.
Variant type: single nucleotide variant.
Coding change: c.1489C>G on transcript NM_005477.3 (MANE Select); coding-DNA position 1489, C replaced by G.
Protein change: p.Leu497Val; replaces leucine 497 with valine.
Molecular consequence: missense variant.
Genome position (GRCh38, 1-based): chr15:73,329,674, G>C on the plus strand (C>G on the coding strand, the complement: HCN4 is on the minus strand). VCF-style: chr15-73329674-G-C. GRCh37 (hg19) VCF-style: chr15-73622015-G-C.
Other names: short protein forms L497V.
Identifiers: ClinVar variation 3367498 (VCV003367498.1).

ClinVar aggregate classification (germline): Uncertain significance (1 of 4 stars; one submission).

Submission:

GeneDx
Classification: Uncertain significance. Last evaluated: 2024-01-02. Review status: criteria provided, single submitter. Criteria: GeneDx Variant Classification Process June 2021. Collection method: clinical testing. Allele origin: germline. Affected: yes.
Comment: Has not been previously published as pathogenic or benign to our knowledge; Not observed at significant frequency in large population cohorts (gnomAD); In silico analysis supports that this missense variant has a deleterious effect on protein structure/function